The following is an entry in ClinVar:

ClinVar aggregate classification (germline): Conflicting classifications of pathogenicity. Review status: criteria provided, conflicting classifications (1 of 4 stars). 3 submissions from 3 submitters: Uncertain significance (1); Likely benign (1). 1 of the submissions does not count toward it. Last evaluated 2025-03-07.

Conditions:
RHO-related disorder. Also called: RHO-related condition.

Allele frequency attached by ClinVar (database versions not stated): TOPMed 0.00001; gnomAD 0.00003; gnomAD exomes 0.00004 and 0.00010; ExAC 0.00013.
gnomAD v4.1: 62 of 1,614,088 alleles (0.0038%); highest among the groups gnomAD compares: South Asian, 0.064%; no homozygotes.

Submissions (3):

Labcorp Genetics (formerly Invitae), Labcorp
Classification: Likely benign. Last evaluated: 2025-03-07. Review status: criteria provided, single submitter. Criteria: Invitae Variant Classification Sherloc (09022015). Collection method: clinical testing. Allele origin: germline.

Blueprint Genetics
Classification: Uncertain significance. Last evaluated: 2024-08-04. Review status: criteria provided, single submitter. Criteria: ACMG Guidelines, 2015. Collection method: clinical testing. Allele origin: germline.

PreventionGenetics, part of Exact Sciences
Classification: Likely benign for RHO-related condition. Last evaluated: 2024-08-22. Review status: no assertion criteria provided. Collection method: clinical testing. Allele origin: germline. Not counted in ClinVar's aggregate classification.
Comment: This variant is classified as likely benign based on ACMG/AMP sequence variant interpretation guidelines (Richards et al. 2015 PMID: 25741868, with internal and published modifications).

NM_000539.3(RHO):c.998C>T (p.Ala333Val)

Gene: RHO (rhodopsin; plus strand). Cytogenetic location: 3q22.1.
Variant type: single nucleotide variant.
Coding change: c.998C>T on transcript NM_000539.3 (MANE Select); coding-DNA position 998, C replaced by T.
Protein change: p.Ala333Val; replaces alanine 333 with valine.
Molecular consequence: missense variant.
Genome position (GRCh38, 1-based): chr3:129,533,669, C>T. VCF-style: chr3-129533669-C-T. GRCh37 (hg19) VCF-style: chr3-129252512-C-T.
Other names: short protein forms A333V.
Identifiers: ClinVar variation 1628283 (VCV001628283.10), dbSNP rs760792843, ClinGen allele CA2607357.
Genomic context (GRCh38, chr3:129,533,669, plus strand): 5'-TCCGGAACTGCATGCTCACCACCATCTGCTGCGGCAAGAACCCACTGGGTGACGATGAGG[C>T]CTCTGCTACCGTGTCCAAGACGGAGACGAGCCAGGTGGCCCCGGCCTAAGACCTGCCTAG-3'
Protein context (NP_000530.1, residues 323-343): CGKNPLGDDE[Ala333Val]SATVSKTETS